The following is an entry in ClinVar:

ClinVar aggregate classification (germline): Uncertain significance (1 of 4 stars; one submission).

Conditions:
CHARGE syndrome (CHARGE). Also called: Hittner Hirsch Kreh syndrome; CHARGE ASSOCIATION--COLOBOMA, HEART ANOMALY, CHOANAL ATRESIA, RETARDATION, GENITAL AND EAR ANOMALIES; Coloboma, heart anomaly, choanal atresia, retardation, genital and ear anomalies; CHARGE association; Hall-Hittner syndrome. Identifiers: Orphanet 138, MedGen C0265354, MONDO:0008965.

Submission:

Labcorp Genetics (formerly Invitae), Labcorp
Classification: Uncertain significance for CHARGE syndrome. Last evaluated: 2023-11-14. Review status: criteria provided, single submitter. Criteria: Invitae Variant Classification Sherloc (09022015). Collection method: clinical testing. Allele origin: germline.
Comment: This sequence change replaces methionine, which is neutral and non-polar, with isoleucine, which is neutral and non-polar, at codon 399 of the CHD7 protein (p.Met399Ile). This variant is not present in population databases (gnomAD no frequency). This variant has not been reported in the literature in individuals affected with CHD7-related conditions. ClinVar contains an entry for this variant (Variation ID: 2090959). Advanced modeling of protein sequence and biophysical properties (such as structural, functional, and spatial information, amino acid conservation, physicochemical variation, residue mobility, and thermodynamic stability) performed at Invitae indicates that this missense variant is not expected to disrupt CHD7 protein function with a negative predictive value of 95%. In summary, the available evidence is currently insufficient to determine the role of this variant in disease. Therefore, it has been classified as a Variant of Uncertain Significance.

NM_017780.4(CHD7):c.1197G>A (p.Met399Ile)

Gene: CHD7 (chromodomain helicase DNA binding protein 7; plus strand). Cytogenetic location: 8q12.2.
Variant type: single nucleotide variant.
Coding change: c.1197G>A on transcript NM_017780.4 (MANE Select); coding-DNA position 1197, G replaced by A.
Protein change: p.Met399Ile; replaces methionine 399 with isoleucine.
Molecular consequence: missense variant.
Genome position (GRCh38, 1-based): chr8:60,742,629, G>A. VCF-style: chr8-60742629-G-A. GRCh37 (hg19) VCF-style: chr8-61655188-G-A.
Other names: c.1197G>A, p.Met399Ile (NM_001316690.1); short protein forms M399I.
Identifiers: ClinVar variation 2090959 (VCV002090959.4), dbSNP rs2487278429, ClinGen allele CA371301775.
Genomic context (GRCh38, chr8:60,742,629, plus strand): 5'-AACTATGCATCCTTCACAGCCTCAGGGAACTTATGCCTCTCCACCTCCCATGTCACCCAT[G>A]AAAGCAATGAGTAATCCAGCAGGCACTCCTCCTCCACAAGTCAGGCCGGGAAGTGCTGGG-3'
Protein context (NP_060250.2, residues 389-409): TYASPPPMSP[Met399Ile]KAMSNPAGTP